The following is an entry in ClinVar:

NM_000059.4(BRCA2):c.8700T>C (p.Asp2900=)

Gene: BRCA2 (BRCA2 DNA repair associated; plus strand). Cytogenetic location: 13q13.1.
Variant type: single nucleotide variant.
Coding change: c.8700T>C on transcript NM_000059.4 (MANE Select); coding-DNA position 8700, T replaced by C.
Protein change: p.Asp2900=; no amino-acid change (aspartic acid 2900 retained).
Molecular consequence: synonymous variant.
Genome position (GRCh38, 1-based): chr13:32,376,737, T>C. VCF-style: chr13-32376737-T-C. GRCh37 (hg19) VCF-style: chr13-32950874-T-C.
Identifiers: ClinVar variation 183979 (VCV000183979.6), dbSNP rs786201201, ClinGen allele CA025787.

ClinVar aggregate classification (germline): Likely benign. Review status: reviewed by expert panel (3 of 4 stars). 2 submissions from 2 submitters: Likely benign (1). 1 of the submissions does not count toward it. Last evaluated 2017-06-29.

Conditions:
Hereditary cancer-predisposing syndrome. Also called: Tumor predisposition; Hereditary Cancer Syndrome; Hereditary neoplastic syndrome; Neoplastic Syndromes, Hereditary. Identifiers: Orphanet 140162, MedGen C0027672, MeSH D009386, MONDO:0015356.
Breast-ovarian cancer, familial, susceptibility to, 2 (BROVCA2). Also called: BRCA2 Hereditary Breast and Ovarian Cancer. Identifiers: Orphanet 145, MedGen C2675520, MONDO:0012933, OMIM 612555. Disease mechanism: loss of function.

Submissions (2):

Evidence-based Network for the Interpretation of Germline Mutant Alleles (ENIGMA)
Classification: Likely benign for Breast-ovarian cancer, familial, susceptibility to, 2. Last evaluated: 2017-06-29. Review status: reviewed by expert panel. Criteria: ENIGMA BRCA1/2 Classification Criteria (2017-06-29). Collection method: curation. Allele origin: germline.
Comment: Synonymous substitution variant, with low bioinformatic likelihood to result in a splicing aberration (Splicing prior probability 0.02).

Ambry Genetics
Classification: Likely benign for Hereditary cancer-predisposing syndrome. Last evaluated: 2024-07-18. Review status: criteria provided, single submitter. Criteria: Ambry Variant Classification Scheme 2023. Collection method: clinical testing. Allele origin: germline. Not counted in ClinVar's aggregate classification.